The following is an entry in ClinVar:

NM_203290.4(POLR1C):c.70-6C>T

Gene: POLR1C (RNA polymerase I and III subunit C; plus strand). Cytogenetic location: 6p21.1.
Variant type: single nucleotide variant.
Coding change: c.70-6C>T on transcript NM_203290.4 (MANE Select); 6 bases into the intron before coding-DNA position 70, C replaced by T.
Molecular consequence: intron variant.
Genome position (GRCh38, 1-based): chr6:43,517,300, C>T. VCF-style: chr6-43517300-C-T. GRCh37 (hg19) VCF-style: chr6-43485038-C-T.
Other names: c.70-6C>T (NM_203290.3, NM_001318876.2, NM_001363658.2).
Identifiers: ClinVar variation 1627657 (VCV001627657.9), dbSNP rs201441256, ClinGen allele CA3825307.

ClinVar aggregate classification (germline): Likely benign. Review status: criteria provided, single submitter (1 of 4 stars). 2 submissions from 2 submitters: Likely benign (1). 1 of the submissions does not count toward it. Last evaluated 2024-11-18.

Conditions:
POLR1C-related disorder. Also called: POLR1C-related condition; POLR1C-related disorders. Identifiers: MedGen CN239394, MONDO:0700278.

Allele frequency attached by ClinVar (database versions not stated): ExAC 0.00003; gnomAD exomes 0.00003 and 0.00004; ESP Exome Variant Server 0.00008; gnomAD 0.00017 and 0.00018; TOPMed 0.00020; 1000 Genomes Project 0.00040; 1000 Genomes Project 30x 0.00047.
gnomAD v4.1: 70 of 1,613,886 alleles (0.0043%); highest among the groups gnomAD compares: African/African-American, 0.061%; no homozygotes.

Submissions (2):

Labcorp Genetics (formerly Invitae), Labcorp
Classification: Likely benign. Last evaluated: 2024-11-18. Review status: criteria provided, single submitter. Criteria: Invitae Variant Classification Sherloc (09022015). Collection method: clinical testing. Allele origin: germline.

PreventionGenetics, part of Exact Sciences
Classification: Likely benign for POLR1C-related condition. Last evaluated: 2024-04-03. Review status: no assertion criteria provided. Collection method: clinical testing. Allele origin: germline. Not counted in ClinVar's aggregate classification.
Comment: This variant is classified as likely benign based on ACMG/AMP sequence variant interpretation guidelines (Richards et al. 2015 PMID: 25741868, with internal and published modifications).